The following is an entry in ClinVar:

NM_139058.3(ARX):c.1325C>T (p.Pro442Leu)

Gene: ARX (aristaless related homeobox; minus strand). Cytogenetic location: Xp21.3.
Variant type: single nucleotide variant.
Coding change: c.1325C>T on transcript NM_139058.3 (MANE Select); coding-DNA position 1325, C replaced by T.
Protein change: p.Pro442Leu; replaces proline 442 with leucine.
Molecular consequence: missense variant.
Genome position (GRCh38, 1-based): chrX:25,007,234, G>A on the plus strand (C>T on the coding strand, the complement: ARX is on the minus strand). VCF-style: chrX-25007234-G-A. GRCh37 (hg19) VCF-style: chrX-25025351-G-A.
Other names: c.1325C>T (NM_139058.2); short protein forms P442L.
Identifiers: ClinVar variation 2113561 (VCV002113561.6), dbSNP rs1601946539, ClinGen allele CA412611246.
Genomic context (GRCh38, chrX:25,007,234, plus strand): 5'-AGGCCCAGCGGCGCCCCGCTGGGCGGCAGGCTGGCCGAGCCCGGAGGCGGAGGTAGGCTC[G>A]GGAAGGCGGCGGCGGCGGCGGCGGCAGCGGCAGTCCAAGCGGAGTCGAGCGCCGGGTGGT-3'
Protein context (NP_620689.1, residues 432-452): AAAAAAAAAF[Pro442Leu]SLPPPPGSAS

ClinVar aggregate classification (germline): Uncertain significance. Review status: criteria provided, multiple submitters, no conflicts (2 of 4 stars). 2 submissions from 2 submitters: Uncertain significance (2). Last evaluated 2026-06-21.

Conditions:
Developmental and epileptic encephalopathy, 1 (DEE1). Also called: INFANTILE SPASM SYNDROME, X-LINKED 1; X-linked infantile spasms; West's syndrome; Tonic spasms with clustering, arrest of psychomotor development and hypsarrhythmia on EEG; X-Linked Infantile Spasm Syndrome; OHTAHARA SYNDROME, X-LINKED. Identifiers: MedGen C3463992, MONDO:0010632, OMIM 308350. Disease mechanism: loss of function.
Intellectual disability, X-linked, with or without seizures, ARX-related. Also called: MENTAL RETARDATION, X-LINKED 29; MENTAL RETARDATION, X-LINKED 32; MENTAL RETARDATION, X-LINKED 33; MENTAL RETARDATION, X-LINKED 38; MENTAL RETARDATION, X-LINKED 43; MENTAL RETARDATION, X-LINKED 76. Identifiers: Orphanet 777, MedGen C0796244, MONDO:0010317, OMIM 300419.

Allele frequency attached by ClinVar (database versions not stated): TOPMed 0.00001.

Submissions (2):

GeneDx
Classification: Uncertain significance. Last evaluated: 2026-06-21. Review status: criteria provided, single submitter. Criteria: GeneDx Variant Classification Process June 2021. Collection method: clinical testing. Allele origin: germline.
Comment: Not observed at significant frequency in large population cohorts (gnomAD); In silico analysis supports that this missense variant has a deleterious effect on protein structure/function; Has not been previously published as pathogenic or benign to our knowledge

Labcorp Genetics (formerly Invitae), Labcorp
Classification: Uncertain significance for Developmental and epileptic encephalopathy, 1; Intellectual disability, X-linked, with or without seizures, ARX-related. Last evaluated: 2022-03-18. Review status: criteria provided, single submitter. Criteria: Invitae Variant Classification Sherloc (09022015). Collection method: clinical testing. Allele origin: germline.
Comment: This sequence change replaces proline, which is neutral and non-polar, with leucine, which is neutral and non-polar, at codon 442 of the ARX protein (p.Pro442Leu). This variant is not present in population databases (gnomAD no frequency). This variant has not been reported in the literature in individuals affected with ARX-related conditions. Advanced modeling of protein sequence and biophysical properties (such as structural, functional, and spatial information, amino acid conservation, physicochemical variation, residue mobility, and thermodynamic stability) performed at Invitae indicates that this missense variant is expected to disrupt ARX protein function. In summary, the available evidence is currently insufficient to determine the role of this variant in disease. Therefore, it has been classified as a Variant of Uncertain Significance.